The following is an entry in ClinVar:

ClinVar aggregate classification (germline): Pathogenic. Review status: reviewed by expert panel (3 of 4 stars). 4 submissions from 4 submitters: Pathogenic (1). 3 of the submissions do not count toward it. Last evaluated 2016-10-18.

Conditions:
Breast-ovarian cancer, familial, susceptibility to, 2 (BROVCA2). Also called: BRCA2 Hereditary Breast and Ovarian Cancer. Identifiers: Orphanet 145, MedGen C2675520, MONDO:0012933, OMIM 612555. Disease mechanism: loss of function.
Hereditary breast ovarian cancer syndrome. Also called: BRCA1- and BRCA2-Associated Hereditary Breast and Ovarian Cancer; Hereditary breast and ovarian cancer; Breast and ovarian cancer; Hereditary breast and/or ovarian cancer syndrome; Hereditary breast and ovarian cancer syndrome; Hereditary breast and ovarian cancer syndrome (HBOC). Identifiers: Orphanet 145, MedGen C0677776, MeSH D061325, MONDO:0003582. Disease mechanism: loss of function.
Hereditary cancer-predisposing syndrome. Also called: Hereditary neoplastic syndrome; Neoplastic Syndromes, Hereditary; Tumor predisposition; Hereditary Cancer Syndrome. Identifiers: Orphanet 140162, MedGen C0027672, MeSH D009386, MONDO:0015356.

Submissions (4):

Evidence-based Network for the Interpretation of Germline Mutant Alleles (ENIGMA)
Classification: Pathogenic for Breast-ovarian cancer, familial, susceptibility to, 2. Last evaluated: 2016-10-18. Review status: reviewed by expert panel. Criteria: ENIGMA BRCA1/2 Classification Criteria (2015). Collection method: curation. Allele origin: germline.
Comment: Variant allele predicted to encode a truncated non-functional protein.

Labcorp Genetics (formerly Invitae), Labcorp
Classification: Pathogenic for Hereditary breast ovarian cancer syndrome. Last evaluated: 2024-12-18. Review status: criteria provided, single submitter. Criteria: Invitae Variant Classification Sherloc (09022015). Collection method: clinical testing. Allele origin: germline. Not counted in ClinVar's aggregate classification.
Comment: This sequence change creates a premature translational stop signal (p.Lys2404*) in the BRCA2 gene. It is expected to result in an absent or disrupted protein product. Loss-of-function variants in BRCA2 are known to be pathogenic (PMID: 20104584). This variant is not present in population databases (gnomAD no frequency). This variant has not been reported in the literature in individuals affected with BRCA2-related conditions. ClinVar contains an entry for this variant (Variation ID: 266992). For these reasons, this variant has been classified as Pathogenic.

Ambry Genetics
Classification: Pathogenic for Hereditary cancer-predisposing syndrome. Last evaluated: 2017-01-26. Review status: criteria provided, single submitter. Criteria: Ambry Variant Classification Scheme 2023. Collection method: clinical testing. Allele origin: germline. Not counted in ClinVar's aggregate classification.
Comment: The p.K2404* variant (also known as c.7210A>T), located in coding exon 13 of the BRCA2 gene, results from an A to T substitution at nucleotide position 7210. This changes the amino acid from a lysine to a stop codon within coding exon 13. This alteration is expected to result in loss of function by premature protein truncation or nonsense-mediated mRNA decay. As such, this alteration is interpreted as a disease-causing mutation.

Consortium of Investigators of Modifiers of BRCA1/2 (CIMBA), c/o University of Cambridge
Classification: Pathogenic for Breast-ovarian cancer, familial, susceptibility to, 2. Last evaluated: 2015-10-02. Review status: criteria provided, single submitter. Criteria: CIMBA Mutation Classification guidelines May 2016. Collection method: clinical testing. Allele origin: germline. Not counted in ClinVar's aggregate classification.

Literature cited by the submitters: PubMed 20104584 (cited by Labcorp Genetics (formerly Invitae), Labcorp).

NM_000059.4(BRCA2):c.7210A>T (p.Lys2404Ter)

Gene: BRCA2 (BRCA2 DNA repair associated; plus strand). Cytogenetic location: 13q13.1.
Variant type: single nucleotide variant.
Coding change: c.7210A>T on transcript NM_000059.4 (MANE Select); coding-DNA position 7210, A replaced by T.
Protein change: p.Lys2404Ter; replaces lysine 2404 with a stop codon.
Molecular consequence: nonsense.
Genome position (GRCh38, 1-based): chr13:32,355,063, A>T. VCF-style: chr13-32355063-A-T. GRCh37 (hg19) VCF-style: chr13-32929200-A-T.
Other names: 7438A>T; short protein forms K2404*.
Identifiers: ClinVar variation 266992 (VCV000266992.9), dbSNP rs886040691, ClinGen allele CA10589417.